The following is an entry in ClinVar:

NM_003849.4(SUCLG1):c.959G>A (p.Ser320Asn)

Gene: SUCLG1 (succinate-CoA ligase GDP/ADP-forming subunit alpha; minus strand). Cytogenetic location: 2p11.2.
Variant type: single nucleotide variant.
Coding change: c.959G>A on transcript NM_003849.4 (MANE Select); coding-DNA position 959, G replaced by A.
Protein change: p.Ser320Asn; replaces serine 320 with asparagine.
Molecular consequence: missense variant.
Genome position (GRCh38, 1-based): chr2:84,425,470, C>T on the plus strand (G>A on the coding strand, the complement: SUCLG1 is on the minus strand). VCF-style: chr2-84425470-C-T. GRCh37 (hg19) VCF-style: chr2-84652594-C-T.
Other names: short protein forms S320N.
Identifiers: ClinVar variation 337154 (VCV000337154.52), dbSNP rs146834097, ClinGen allele CA1736132.

ClinVar aggregate classification (germline): Uncertain significance. Review status: criteria provided, multiple submitters, no conflicts (2 of 4 stars). 3 submissions from 3 submitters: Uncertain significance (3). Last evaluated 2025-01-20.

Conditions:
Mitochondrial DNA depletion syndrome 9 (MTDPS9). Also called: SUCLG1-Related Mitochondrial DNA Depletion Syndrome, Encephalomyopathic Form with Methylmalonic Aciduria. Identifiers: Orphanet 17, MedGen C3151476, MONDO:0009504, OMIM 245400.

Allele frequency attached by ClinVar (database versions not stated): ExAC 0.00004; gnomAD exomes 0.00006 and 0.00012; TOPMed 0.00007; gnomAD 0.00009 and 0.00010; ESP Exome Variant Server 0.00015.
gnomAD v4.1: 186 of 1,614,092 alleles (0.012%); highest among the groups gnomAD compares: Non-Finnish European, 0.015%; no homozygotes.

Submissions (3):

Labcorp Genetics (formerly Invitae), Labcorp
Classification: Uncertain significance for Mitochondrial DNA depletion syndrome 9. Last evaluated: 2025-01-20. Review status: criteria provided, single submitter. Criteria: Invitae Variant Classification Sherloc (09022015). Collection method: clinical testing. Allele origin: germline.
Comment: This sequence change replaces serine, which is neutral and polar, with asparagine, which is neutral and polar, at codon 320 of the SUCLG1 protein (p.Ser320Asn). This variant is present in population databases (rs146834097, gnomAD 0.01%). This variant has not been reported in the literature in individuals affected with SUCLG1-related conditions. ClinVar contains an entry for this variant (Variation ID: 337154). An algorithm developed to predict the effect of missense changes on protein structure and function outputs the following: PolyPhen-2: "Benign". The asparagine amino acid residue is found in multiple mammalian species, which suggests that this missense change does not adversely affect protein function. In summary, the available evidence is currently insufficient to determine the role of this variant in disease. Therefore, it has been classified as a Variant of Uncertain Significance.

Blueprint Genetics
Classification: Uncertain significance. Last evaluated: 2024-05-21. Review status: criteria provided, single submitter. Criteria: ACMG Guidelines, 2015. Collection method: clinical testing. Allele origin: germline.

CeGaT Center for Human Genetics Tuebingen
Classification: Uncertain significance. Last evaluated: 2016-06-01. Review status: criteria provided, single submitter. Criteria: CeGaT Center For Human Genetics Tuebingen Variant Classification Criteria Version 2. Collection method: clinical testing. Allele origin: germline. Affected: yes. Observed: 1 variant allele.